The following is an entry in ClinVar:

ClinVar aggregate classification (germline): Benign/Likely benign. Review status: criteria provided, multiple submitters, no conflicts (2 of 4 stars). 3 submissions from 3 submitters: Benign (1); Likely benign (1). 1 of the submissions does not count toward it. Last evaluated 2025-11-10.

Conditions:
NOTCH1-related disorder. Also called: NOTCH1-related disorders; NOTCH1-related condition.
Adams-Oliver syndrome 5 (AOS5). Identifiers: Orphanet 974, MedGen C4014970, MONDO:0014459, OMIM 616028.
Familial thoracic aortic aneurysm and aortic dissection (TAAD). Also called: Thoracic aortic aneurysms and dissections. Identifiers: Orphanet 91387, MedGen C4707243, MONDO:0019625.

Allele frequency attached by ClinVar (database versions not stated): gnomAD 0.00001; gnomAD exomes 0.00001; TOPMed 0.00001; ExAC 0.00003.
gnomAD v4.1: 8 of 1,600,328 alleles (0.0005%); highest among the groups gnomAD compares: South Asian, 0.0044%; no homozygotes.

Submissions (3):

Labcorp Genetics (formerly Invitae), Labcorp
Classification: Benign for Adams-Oliver syndrome 5. Last evaluated: 2025-11-10. Review status: criteria provided, single submitter. Criteria: Invitae Variant Classification Sherloc (09022015). Collection method: clinical testing. Allele origin: germline.

Ambry Genetics
Classification: Likely benign for Familial thoracic aortic aneurysm and aortic dissection. Last evaluated: 2023-05-12. Review status: criteria provided, single submitter. Criteria: Ambry Variant Classification Scheme 2023. Collection method: clinical testing. Allele origin: germline.

PreventionGenetics, part of Exact Sciences
Classification: Likely benign for NOTCH1-related condition. Last evaluated: 2023-06-13. Review status: no assertion criteria provided. Collection method: clinical testing. Allele origin: germline. Not counted in ClinVar's aggregate classification.
Comment: This variant is classified as likely benign based on ACMG/AMP sequence variant interpretation guidelines (Richards et al. 2015 PMID: 25741868, with internal and published modifications).

NM_017617.5(NOTCH1):c.5205C>T (p.His1735=)

Gene: NOTCH1 (notch receptor 1; minus strand). Cytogenetic location: 9q34.3.
Variant type: single nucleotide variant.
Coding change: c.5205C>T on transcript NM_017617.5 (MANE Select); coding-DNA position 5205, C replaced by T.
Protein change: p.His1735=; no amino-acid change (histidine 1735 retained).
Molecular consequence: synonymous variant.
Genome position (GRCh38, 1-based): chr9:136,502,451, G>A on the plus strand (C>T on the coding strand, the complement: NOTCH1 is on the minus strand). VCF-style: chr9-136502451-G-A. GRCh37 (hg19) VCF-style: chr9-139396903-G-A.
Other names: c.5205C>T (NM_017617.3, NM_017617.4).
Identifiers: ClinVar variation 1934799 (VCV001934799.9), dbSNP rs746253027, ClinGen allele CA5340361.